The following is an entry in ClinVar:

ClinVar aggregate classification (germline): Likely benign. Review status: criteria provided, multiple submitters, no conflicts (2 of 4 stars). 2 submissions from 2 submitters: Likely benign (2). Last evaluated 2025-06-15.

Conditions:
PPP1R13L-related disorder. Also called: PPP1R13L-related condition.

gnomAD v4.1: 280 of 1,589,230 alleles (0.018%); highest among the groups gnomAD compares: African/African-American, 0.33%; no homozygotes.

Submissions (2):

PreventionGenetics, part of Exact Sciences
Classification: Likely benign for PPP1R13L-related condition. Last evaluated: 2025-06-15. Review status: criteria provided, single submitter. Criteria: ACMG Guidelines, 2015. Collection method: clinical testing. Allele origin: germline.
Comment: This variant is classified as likely benign based on ACMG/AMP sequence variant interpretation guidelines (Richards et al. 2015 PMID: 25741868, with internal and published modifications).

Molecular Diagnostic Laboratory for Inherited Cardiovascular Disease, Montreal Heart Institute
Classification: Likely benign. Last evaluated: 2025-04-09. Review status: criteria provided, single submitter. Criteria: ACMG Guidelines, 2015. Collection method: clinical testing. Allele origin: germline. Affected: no.
Comment: BS1;BP4

NM_006663.4(PPP1R13L):c.979G>T (p.Gly327Cys)

Gene: PPP1R13L (protein phosphatase 1 regulatory subunit 13 like; minus strand). Cytogenetic location: 19q13.32.
Variant type: single nucleotide variant.
Coding change: c.979G>T on transcript NM_006663.4 (MANE Select); coding-DNA position 979, G replaced by T.
Protein change: p.Gly327Cys; replaces glycine 327 with cysteine.
Molecular consequence: missense variant.
Genome position (GRCh38, 1-based): chr19:45,395,811, C>A on the plus strand (G>T on the coding strand, the complement: PPP1R13L is on the minus strand). VCF-style: chr19-45395811-C-A. GRCh37 (hg19) VCF-style: chr19-45899069-C-A.
Other names: c.979G>T (NM_006663.3); c.979G>T, p.Gly327Cys (NM_001142502.2); short protein forms G327C.
Identifiers: ClinVar variation 3895459 (VCV003895459.2), dbSNP rs200076123.
Genomic context (GRCh38, chr19:45,395,811, plus strand): 5'-GCCAGCTGCGAGGCAAAGTGCCCGACGGCCCCGCGGAGCCCAGCGAGCGCCGGTAGCTGC[C>A]CGCGTCTGAACGCCGGTCGCTGGCCAGAGGAGAGACCTTGTAATTGCGCGGCAGGGTGGC-3'
Protein context (NP_006654.2, residues 317-337): PLASDRRSDA[Gly327Cys]SYRRSLGSAG